The following is an entry in ClinVar:

NM_173598.6(KSR2):c.1190G>A (p.Arg397His)

Gene: KSR2 (kinase suppressor of ras 2; minus strand). Cytogenetic location: 12q24.22.
Variant type: single nucleotide variant.
Coding change: c.1190G>A on transcript NM_173598.6 (MANE Select); coding-DNA position 1190, G replaced by A.
Protein change: p.Arg397His; replaces arginine 397 with histidine.
Molecular consequence: missense variant.
Genome position (GRCh38, 1-based): chr12:117,582,341, C>T on the plus strand (G>A on the coding strand, the complement: KSR2 is on the minus strand). VCF-style: chr12-117582341-C-T. GRCh37 (hg19) VCF-style: chr12-118020146-C-T.
Other names: short protein forms R397H.
Identifiers: ClinVar variation 1338149 (VCV001338149.5), dbSNP rs776731615, ClinGen allele CA6816107.
Genomic context (GRCh38, chr12:117,582,341, plus strand): 5'-CCAGCCTACCTGTGCTTGATGGAGTTGCCGAGATCTCTGCGAGGGATCTGCGGGGACCAG[C>T]GTGGCACTGACAGTGTGTCTACAGAGAGAAGAGAACAGCCTGTTACACAGAGGGTCAGAG-3'
Protein context (NP_775869.4, residues 387-407): NFSANTLSVP[Arg397His]WSPQIPRRDL

ClinVar aggregate classification (germline): Uncertain significance. Review status: criteria provided, multiple submitters, no conflicts (2 of 4 stars). 2 submissions from 2 submitters: Uncertain significance (2). Last evaluated 2025-07-09.

Conditions:
KSR2-related disorder. Also called: KSR2-related condition.

Allele frequency attached by ClinVar (database versions not stated): ExAC 0.00001; TOPMed 0.00007; gnomAD 0.00010.
gnomAD v4.1: 29 of 1,613,568 alleles (0.0018%); highest among the groups gnomAD compares: African/African-American, 0.035%; no homozygotes.

Submissions (2):

PreventionGenetics, part of Exact Sciences
Classification: Uncertain significance for KSR2-related condition. Last evaluated: 2025-07-09. Review status: criteria provided, single submitter. Criteria: ACMG Guidelines, 2015. Collection method: clinical testing. Allele origin: germline.
Comment: The KSR2 c.1103G>A variant is predicted to result in the amino acid substitution p.Arg368His. This variant has been reported in a single patient with obesity; however, pathogenicity was not established (reported as R397H in Pearce et al. 2013. PubMed ID: 24209692). This variant is reported in 0.021% of alleles in individuals of African descent in gnomAD. At this time, the clinical significance of this variant is uncertain due to the absence of conclusive functional and genetic evidence.

Genetic Services Laboratory, University of Chicago
Classification: Uncertain significance. Last evaluated: 2021-11-29. Review status: criteria provided, single submitter. Criteria: ACMG Guidelines, 2015. Collection method: clinical testing. Allele origin: germline. Affected: no.
Comment: DNA sequence analysis of the KSR2 gene demonstrated a sequence change, c.1103G>A, in exon 6 that results in an amino acid change, p.Arg368His. This sequence change has been described in the gnomAD database with a frequency of 0.02% in the African/African American subpopulation (dbSNP rs776731615). The p.Arg368His change affects a moderately conserved amino acid residue located in a domain of the KSR2 protein that is not known to be functional. The p.Arg368His substitution appears to be benign using several in-silico pathogenicity prediction tools (SIFT, PolyPhen2, Align GVGD, REVEL). This sequence change has been previously described in an individual with early-onset obesity (PMID: 24209692). Due to insufficient evidences and the lack of functional studies, the clinical significance of the p.Arg368His change remains unknown at this time.